The following is an entry in ClinVar:

ClinVar aggregate classification (germline): Likely benign. Review status: criteria provided, multiple submitters, no conflicts (2 of 4 stars). 2 submissions from 2 submitters: Likely benign (2). Last evaluated 2025-12-22.

Conditions:
Developmental and epileptic encephalopathy, 11 (DEE11). Also called: Early infantile epileptic encephalopathy 11. Identifiers: Orphanet 1934, MedGen C3150987, MONDO:0013388, OMIM 613721.
Seizures, benign familial infantile, 3 (BFIS3). Also called: CONVULSIONS, BENIGN FAMILIAL INFANTILE, 3; Familial neonatal seizures. Identifiers: Orphanet 140927, Orphanet 306, MedGen C1843140, MONDO:0011904, OMIM 607745.

Allele frequency attached by ClinVar (database versions not stated): ExAC 0.00003; TOPMed 0.00003; gnomAD 0.00004.
gnomAD v4.1: 10 of 1,538,708 alleles (0.00065%); highest among the groups gnomAD compares: African/African-American, 0.011%; no homozygotes.

Submissions (2):

Labcorp Genetics (formerly Invitae), Labcorp
Classification: Likely benign for Seizures, benign familial infantile, 3; Developmental and epileptic encephalopathy, 11. Last evaluated: 2025-12-22. Review status: criteria provided, single submitter. Criteria: Invitae Variant Classification Sherloc (09022015). Collection method: clinical testing. Allele origin: germline.

Women's Health and Genetics/Laboratory Corporation of America, LabCorp
Classification: Likely benign. Last evaluated: 2023-09-28. Review status: criteria provided, single submitter. Criteria: LabCorp Variant Classification Summary - May 2015. Collection method: clinical testing. Allele origin: germline.
Comment: Variant summary: SCN2A c.4551+10A>G alters a non-conserved nucleotide located at a position not widely known to affect splicing. Consensus agreement among computation tools predict no significant impact on normal splicing. However, these predictions have yet to be confirmed by functional studies. The variant allele was found at a frequency of 5.4e-06 in 184590 control chromosomes (gnomAD). The available data on variant occurrences in the general population are insufficient to allow any conclusion about variant significance. To our knowledge, no occurrence of c.4551+10A>G in individuals affected with Early Infantile Epileptic Encephalopathy 11 and no experimental evidence demonstrating its impact on protein function have been reported. One submitter has cited clinical-significance assessments for this variant to ClinVar after 2014 and has classified the variant as likely benign. Based on the evidence outlined above, the variant was classified as likely benign.

NM_001040142.2(SCN2A):c.4551+10A>G

Gene: SCN2A (sodium voltage-gated channel alpha subunit 2; plus strand). Cytogenetic location: 2q24.3.
Variant type: single nucleotide variant.
Coding change: c.4551+10A>G on transcript NM_001040142.2 (MANE Select); 10 bases into the intron after coding-DNA position 4551, A replaced by G.
Molecular consequence: intron variant.
Genome position (GRCh38, 1-based): chr2:165,381,207, A>G. VCF-style: chr2-165381207-A-G. GRCh37 (hg19) VCF-style: chr2-166237717-A-G.
Other names: c.4551+10A>G (NM_001040143.2, NM_001371246.1, NM_001371247.1 and 1 more transcripts).
Identifiers: ClinVar variation 1097292 (VCV001097292.10), dbSNP rs767957352, ClinGen allele CA1940285.